The following is an entry in ClinVar:

NM_005343.4(HRAS):c.537del (p.Gly180fs)

Genes: HRAS (HRas proto-oncogene, GTPase; minus strand), LRRC56 (leucine rich repeat containing 56; plus strand). Cytogenetic location: 11p15.5.
Variant type: Deletion.
Coding change: c.537del on transcript NM_005343.4 (MANE Select); coding-DNA position 537, one base deleted (C; older notation c.537delC).
Protein change: p.Gly180fs; shifts the reading frame from glycine 180.
Molecular consequence: frameshift variant. On other transcripts: 3 prime UTR variant (1), intron variant (2).
Genome position (GRCh38, 1-based): chr11:532,669, G deleted on the plus strand (C on the coding strand, the reverse complement: HRAS is on the minus strand); the first of 4 consecutive G bases (chr11:532,669-532,672); deleting any one gives the same sequence. VCF-style (leftmost placement, unchanged base first): chr11-532668-CG-C. GRCh37 (hg19) VCF-style: chr11-532668-CG-C.
Other names: c.537del, p.Gly180fs (NM_001130442.3); c.300del, p.Gly101fs (NM_001318054.2); c.*106del (NM_176795.5); c.-162+4335del (NM_001441284.1, NM_001441286.1); short protein forms G101fs, G180fs.
Identifiers: ClinVar variation 4809435 (VCV004809435.1).

ClinVar aggregate classification (germline): Uncertain significance (1 of 4 stars; one submission).

Conditions:
Costello syndrome (CSTLO). Also called: FACIOCUTANEOSKELETAL SYNDROME; FCS SYNDROME; HRAS-Related Costello Syndrome. Identifiers: Orphanet 3071, MedGen C0587248, MONDO:0009026, OMIM 218040.

Submission:

Labcorp Genetics (formerly Invitae), Labcorp
Classification: Uncertain significance for Costello syndrome. Last evaluated: 2025-05-07. Review status: criteria provided, single submitter. Criteria: Invitae Variant Classification Sherloc (09022015). Collection method: clinical testing. Allele origin: germline.
Comment: This sequence change creates a premature translational stop signal (p.Gly180Alafs*3) in the HRAS gene. While this is not anticipated to result in nonsense mediated decay, it is expected to disrupt the last 11 amino acid(s) of the HRAS protein. This variant is not present in population databases (gnomAD no frequency). This variant has not been reported in the literature in individuals affected with HRAS-related conditions. In summary, the available evidence is currently insufficient to determine the role of this variant in disease. Therefore, it has been classified as a Variant of Uncertain Significance.